The following is an entry in ClinVar:

NM_004168.4(SDHA):c.1966A>C (p.Thr656Pro)

Gene: SDHA (succinate dehydrogenase complex flavoprotein subunit A; plus strand). Cytogenetic location: 5p15.33.
Variant type: single nucleotide variant.
Coding change: c.1966A>C on transcript NM_004168.4 (MANE Select); coding-DNA position 1966, A replaced by C.
Protein change: p.Thr656Pro; replaces threonine 656 with proline.
Molecular consequence: missense variant.
Genome position (GRCh38, 1-based): chr5:256,391, A>C. VCF-style: chr5-256391-A-C. GRCh37 (hg19) VCF-style: chr5-256506-A-C.
Other names: c.1822A>C, p.Thr608Pro (NM_001294332.2); c.1723A>C, p.Thr575Pro (NM_001330758.2); short protein forms T575P, T608P, T656P.
Identifiers: ClinVar variation 1783520 (VCV001783520.6), dbSNP rs1579448727, ClinGen allele CA359003042.

ClinVar aggregate classification (germline): Uncertain significance. Review status: criteria provided, multiple submitters, no conflicts (2 of 4 stars). 2 submissions from 2 submitters: Uncertain significance (2). Last evaluated 2025-01-14.

Conditions:
Mitochondrial complex II deficiency, nuclear type 1. Also called: SUCCINATE CoQ REDUCTASE DEFICIENCY. Identifiers: Orphanet 3208, MedGen C5700310, MONDO:0100294, OMIM 252011.
Pheochromocytoma/paraganglioma syndrome 5. Also called: Paragangliomas 5; SDHA-Related Hereditary Paraganglioma-Pheochromocytoma Syndrome. Identifiers: Orphanet 29072, MedGen C3279992, MONDO:0013602, OMIM 614165.
Hereditary cancer-predisposing syndrome. Also called: Tumor predisposition; Hereditary Cancer Syndrome; Hereditary neoplastic syndrome; Neoplastic Syndromes, Hereditary. Identifiers: Orphanet 140162, MedGen C0027672, MeSH D009386, MONDO:0015356.

Submissions (2):

Labcorp Genetics (formerly Invitae), Labcorp
Classification: Uncertain significance for Pheochromocytoma/paraganglioma syndrome 5; Mitochondrial complex II deficiency, nuclear type 1. Last evaluated: 2025-01-14. Review status: criteria provided, single submitter. Criteria: Invitae Variant Classification Sherloc (09022015). Collection method: clinical testing. Allele origin: germline.
Comment: This sequence change replaces threonine, which is neutral and polar, with proline, which is neutral and non-polar, at codon 656 of the SDHA protein (p.Thr656Pro). This variant is not present in population databases (gnomAD no frequency). This variant has not been reported in the literature in individuals affected with SDHA-related conditions. ClinVar contains an entry for this variant (Variation ID: 1783520). Invitae Evidence Modeling of protein sequence and biophysical properties (such as structural, functional, and spatial information, amino acid conservation, physicochemical variation, residue mobility, and thermodynamic stability) indicates that this missense variant is not expected to disrupt SDHA protein function with a negative predictive value of 95%. In summary, the available evidence is currently insufficient to determine the role of this variant in disease. Therefore, it has been classified as a Variant of Uncertain Significance.

Ambry Genetics
Classification: Uncertain significance for Hereditary cancer-predisposing syndrome. Last evaluated: 2024-09-30. Review status: criteria provided, single submitter. Criteria: Ambry Variant Classification Scheme 2023. Collection method: clinical testing. Allele origin: germline.
Comment: The p.T656P variant (also known as c.1966A>C), located in coding exon 15 of the SDHA gene, results from an A to C substitution at nucleotide position 1966. The threonine at codon 656 is replaced by proline, an amino acid with highly similar properties. This amino acid position is not well conserved in available vertebrate species. In addition, this alteration is predicted to be tolerated by in silico analysis. Based on the available evidence, the clinical significance of this variant remains unclear.